The following is an entry in ClinVar:

NM_001364857.2(ADGRB2):c.683A>G (p.Glu228Gly)

Gene: ADGRB2 (adhesion G protein-coupled receptor B2; minus strand). Cytogenetic location: 1p35.2.
Variant type: single nucleotide variant.
Coding change: c.683A>G on transcript NM_001364857.2 (MANE Select); coding-DNA position 683, A replaced by G.
Protein change: p.Glu228Gly; replaces glutamic acid 228 with glycine.
Molecular consequence: missense variant.
Genome position (GRCh38, 1-based): chr1:31,756,154, T>C on the plus strand (A>G on the coding strand, the complement: ADGRB2 is on the minus strand). VCF-style: chr1-31756154-T-C. GRCh37 (hg19) VCF-style: chr1-32221755-T-C.
Other names: c.683A>G, p.Glu228Gly (NM_001294335.2, NM_001294336.2, NM_001703.2); short protein forms E228G.
Identifiers: ClinVar variation 2045109 (VCV002045109.6), dbSNP rs376797794, ClinGen allele CA736103.

ClinVar aggregate classification (germline): Uncertain significance. Review status: criteria provided, multiple submitters, no conflicts (2 of 4 stars). 2 submissions from 2 submitters: Uncertain significance (2). Last evaluated 2024-10-29.

Allele frequency attached by ClinVar (database versions not stated): gnomAD 0.00013; ExAC 0.00009; ESP Exome Variant Server 0.00008; gnomAD exomes 0.00001; TOPMed 0.00015.
gnomAD v4.1: 44 of 1,613,284 alleles (0.0027%); highest among the groups gnomAD compares: African/African-American, 0.045%; no homozygotes.

Submissions (2):

Ambry Genetics
Classification: Uncertain significance. Last evaluated: 2024-10-29. Review status: criteria provided, single submitter. Criteria: Ambry Variant Classification Scheme 2023. Collection method: clinical testing. Allele origin: germline.

Labcorp Genetics (formerly Invitae), Labcorp
Classification: Uncertain significance. Last evaluated: 2022-07-06. Review status: criteria provided, single submitter. Criteria: Invitae Variant Classification Sherloc (09022015). Collection method: clinical testing. Allele origin: germline.
Comment: This sequence change replaces glutamic acid, which is acidic and polar, with glycine, which is neutral and non-polar, at codon 228 of the ADGRB2 protein (p.Glu228Gly). This variant is present in population databases (rs376797794, gnomAD 0.05%). This variant has not been reported in the literature in individuals affected with ADGRB2-related conditions. Algorithms developed to predict the effect of missense changes on protein structure and function output the following: SIFT: "Deleterious"; PolyPhen-2: "Not Available"; Align-GVGD: "Class C0". The glycine amino acid residue is found in multiple mammalian species, which suggests that this missense change does not adversely affect protein function. In summary, the available evidence is currently insufficient to determine the role of this variant in disease. Therefore, it has been classified as a Variant of Uncertain Significance.